The following is an entry in ClinVar:

ClinVar aggregate classification (germline): Uncertain significance. Review status: criteria provided, multiple submitters, no conflicts (2 of 4 stars). 3 submissions from 3 submitters: Uncertain significance (3). Last evaluated 2024-05-27.

Allele frequency attached by ClinVar (database versions not stated): ExAC 0.00001; gnomAD exomes 0.00002; gnomAD 0.00007 and 0.00008.
gnomAD v4.1: 33 of 1,610,318 alleles (0.002%); highest among the groups gnomAD compares: Non-Finnish European, 0.0027%; no homozygotes.

Submissions (3):

Blueprint Genetics
Classification: Uncertain significance. Last evaluated: 2024-05-27. Review status: criteria provided, single submitter. Criteria: ACMG Guidelines, 2015. Collection method: clinical testing. Allele origin: germline.

Ambry Genetics
Classification: Uncertain significance. Last evaluated: 2024-03-16. Review status: criteria provided, single submitter. Criteria: Ambry Variant Classification Scheme 2023. Collection method: clinical testing. Allele origin: germline.

GeneDx
Classification: Uncertain significance. Last evaluated: 2019-08-09. Review status: criteria provided, single submitter. Criteria: GeneDx Variant Classification Process June 2021. Collection method: clinical testing. Allele origin: germline. Affected: yes.
Comment: In silico analysis, which includes protein predictors and evolutionary conservation, supports a deleterious effect; Has not been previously published as pathogenic or benign to our knowledge

NM_001384125.1(BLTP1):c.11771C>T (p.Pro3924Leu)

Gene: BLTP1 (bridge-like lipid transfer protein family member 1; plus strand). Cytogenetic location: 4q27.
Variant type: single nucleotide variant.
Coding change: c.11771C>T on transcript NM_001384125.1 (MANE Select); coding-DNA position 11771, C replaced by T.
Protein change: p.Pro3924Leu; replaces proline 3924 with leucine.
Molecular consequence: missense variant.
Genome position (GRCh38, 1-based): chr4:122,333,670, C>T. VCF-style: chr4-122333670-C-T. GRCh37 (hg19) VCF-style: chr4-123254825-C-T.
Other names: c.11507C>T, p.Pro3836Leu (NM_015312.4); short protein forms P3836L, P3924L.
Identifiers: ClinVar variation 1303598 (VCV001303598.4), dbSNP rs745511970, ClinGen allele CA3067845.
Genomic context (GRCh38, chr4:122,333,670, plus strand): 5'-AACATTTTTCTGTTCACAGGAGTTATGATCGAAGTTCCAGGAGCTTAGATCAAGATTCAC[C>T]TTCAAAAAAGAAGAAGTTTCAAACTAATTATGCTTCTACCACCCATTTAATGACCGGCAA-3'
Protein context (NP_001371054.1, residues 3914-3934): RSSRSLDQDS[Pro3924Leu]SKKKKFQTNY